The following is an entry in ClinVar:

ClinVar aggregate classification (germline): Pathogenic. Review status: criteria provided, single submitter (1 of 4 stars). 3 submissions from 3 submitters: Pathogenic (1). 2 of the submissions do not count toward it.

Conditions:
Schaaf-Yang syndrome (SHFYNG). Also called: MAGEL2-related Prader-Willi-like syndrome; Arthrogryposis, distal, with hypopituitarism, intellectual disability, and facial anomalies. Identifiers: Orphanet 398069, MedGen C5575066, MONDO:0014243, OMIM 615547.

Submissions (3):

Juno Genomics, Hangzhou Juno Genomics, Inc
Classification: Pathogenic for Schaaf-Yang syndrome. Review status: criteria provided, single submitter. Criteria: ACMG Guidelines, 2015. Collection method: clinical testing. Allele origin: germline. Affected: yes.
Comment: Null variant in a gene where loss of function (LOF) is a known mechanism of disease.;Absent from controls (or at extremely low frequency if recessive) in Genome Aggregation Database, Exome Sequencing Project, 1000 Genomes Project, or Exome Aggregation Consortium.;The prevalence of the variant in affected individuals is significantly increased compared to the prevalence in controls.

Biochemical Molecular Genetic Laboratory, King Abdulaziz Medical City
Classification: Likely pathogenic for Schaaf-Yang syndrome. Last evaluated: 2020-02-05. Review status: no assertion criteria provided. Collection method: clinical testing. Allele origin: germline. Affected: yes. Not counted in ClinVar's aggregate classification.

OMIM
Classification: Pathogenic for SCHAAF-YANG SYNDROME. Last evaluated: 2017-09-26. Review status: no assertion criteria provided. Collection method: literature only. Allele origin: germline. Not counted in ClinVar's aggregate classification.

Literature cited by the submitters: PubMed 27195816 (cited by OMIM).

NM_019066.5(MAGEL2):c.1621C>T (p.Gln541Ter)

Gene: MAGEL2 (MAGE family member L2; minus strand). Cytogenetic location: 15q11.2.
Variant type: single nucleotide variant.
Coding change: c.1621C>T on transcript NM_019066.5 (MANE Select); coding-DNA position 1621, C replaced by T.
Protein change: p.Gln541Ter; replaces glutamine 541 with a stop codon.
Molecular consequence: nonsense.
Genome position (GRCh38, 1-based): chr15:23,646,122, G>A on the plus strand (C>T on the coding strand, the complement: MAGEL2 is on the minus strand). VCF-style: chr15-23646122-G-A. GRCh37 (hg19) VCF-style: chr15-23891269-G-A.
Other names: short protein forms Q541*.
Identifiers: ClinVar variation 440466 (VCV000440466.4), dbSNP rs1555374290, ClinGen allele CA391333665.
Genomic context (GRCh38, chr15:23,646,122, plus strand): 5'-CCTGCGGGCCAGCGGGCGGCGCCGCGGGTACCTGCGTAGCAGGTGGGGCCGTAGGCACCT[G>A]CGGCGCCGCCTGCACCTGCGGGGCCGGCAGCCTAGCCTGCGGGGCCTGCCGCAGTGGAGG-3'